The following is an entry in ClinVar:

NM_001288705.3(CSF1R):c.1237G>A (p.Gly413Ser)

Gene: CSF1R (colony stimulating factor 1 receptor; minus strand). Cytogenetic location: 5q32.
Variant type: single nucleotide variant.
Coding change: c.1237G>A on transcript NM_001288705.3 (MANE Select); coding-DNA position 1237, G replaced by A.
Protein change: p.Gly413Ser; replaces glycine 413 with serine.
Molecular consequence: missense variant. On other transcripts: non-coding transcript variant (2).
Genome position (GRCh38, 1-based): chr5:150,070,264, C>T on the plus strand (G>A on the coding strand, the complement: CSF1R is on the minus strand). VCF-style: chr5-150070264-C-T. GRCh37 (hg19) VCF-style: chr5-149449827-C-T.
Other names: c.1237G>A, p.Gly413Ser (NM_001349736.2, NM_001375320.1, NM_005211.4); c.793G>A, p.Gly265Ser (NM_001375321.1); short protein forms G413S, G265S.
Identifiers: ClinVar variation 352154 (VCV000352154.48), dbSNP rs34951517, ClinGen allele CA3506897.

ClinVar aggregate classification (germline): Benign. Review status: criteria provided, multiple submitters, no conflicts (2 of 4 stars). 6 submissions from 6 submitters: Benign (4). 2 of the submissions do not count toward it. Last evaluated 2026-02-01.

Conditions:
Hereditary diffuse leukoencephalopathy with spheroids. Also called: LEUKOENCEPHALOPATHY, ADULT-ONSET, WITH AXONAL SPHEROIDS AND PIGMENTED GLIA. Identifiers: Orphanet 313808, MedGen C3711381, MONDO:0030796.

Allele frequency attached by ClinVar (database versions not stated): 1000 Genomes Project 0.00579; 1000 Genomes Project 30x 0.00656; ExAC 0.00900; gnomAD exomes 0.00935 and 0.01324; gnomAD 0.00969 and 0.00996; TOPMed 0.00982; ESP Exome Variant Server 0.01084.
gnomAD v4.1: 20,699 of 1,614,094 alleles (1.3%); highest among the groups gnomAD compares: Non-Finnish European, 1.5%; 175 homozygotes.

Submissions (6):

Labcorp Genetics (formerly Invitae), Labcorp
Classification: Benign. Last evaluated: 2026-02-01. Review status: criteria provided, single submitter. Criteria: Invitae Variant Classification Sherloc (09022015). Collection method: clinical testing. Allele origin: germline.

CeGaT Center for Human Genetics Tuebingen
Classification: Benign. Last evaluated: 2024-07-01. Review status: criteria provided, single submitter. Criteria: CeGaT Center For Human Genetics Tuebingen Variant Classification Criteria Version 2. Collection method: clinical testing. Allele origin: germline. Affected: yes. Observed: 20 variant alleles.
Comment: CSF1R: BP4, BS1, BS2

Mayo Clinic Laboratories, Mayo Clinic
Classification: Benign. Last evaluated: 2023-03-24. Review status: criteria provided, single submitter. Criteria: ACMG Guidelines, 2015. Collection method: clinical testing. Allele origin: germline. Observed: 37 variant alleles.
Comment: BS1, BS2, BP4

Illumina Laboratory Services, Illumina
Classification: Benign for Leukoencephalopathy, diffuse hereditary, with spheroids 1. Last evaluated: 2018-01-13. Review status: criteria provided, single submitter. Criteria: ICSL Variant Classification Criteria 13 December 2019. Collection method: clinical testing. Allele origin: germline.
Comment: This variant was observed in the ICSL laboratory as part of a predisposition screen in an ostensibly healthy population. It had not been previously curated by ICSL or reported in the Human Gene Mutation Database (HGMD: prior to June 1st, 2018), and was therefore a candidate for classification through an automated scoring system. Utilizing variant allele frequency, disease prevalence and penetrance estimates, and inheritance mode, an automated score was calculated to assess if this variant is too frequent to cause the disease. Based on the score and internal cut-off values, a variant classified as benign is not then subjected to further curation. The score for this variant resulted in a classification of benign for this disease.

Genome Diagnostics Laboratory, Amsterdam University Medical Center
Classification: Benign. Review status: no assertion criteria provided. Collection method: clinical testing. Allele origin: germline. Affected: yes. Study: VKGL Data-share Consensus. Not counted in ClinVar's aggregate classification.

Laboratory of Diagnostic Genome Analysis, Leiden University Medical Center (LUMC)
Classification: Likely benign. Review status: no assertion criteria provided. Collection method: clinical testing. Allele origin: germline. Affected: yes. Study: VKGL Data-share Consensus. Not counted in ClinVar's aggregate classification.